The following is an entry in ClinVar:

ClinVar aggregate classification (germline): Pathogenic. Review status: reviewed by expert panel (3 of 4 stars). 3 submissions from 3 submitters: Pathogenic (1). 2 of the submissions do not count toward it. Last evaluated 2017-12-15.

Conditions:
Hereditary cancer-predisposing syndrome. Also called: Tumor predisposition; Hereditary Cancer Syndrome; Hereditary neoplastic syndrome; Neoplastic Syndromes, Hereditary. Identifiers: Orphanet 140162, MedGen C0027672, MeSH D009386, MONDO:0015356.
Hereditary breast ovarian cancer syndrome. Also called: Hereditary breast and ovarian cancer; Breast and ovarian cancer; BRCA1- and BRCA2-Associated Hereditary Breast and Ovarian Cancer; Hereditary breast and ovarian cancer syndrome; Hereditary breast and ovarian cancer syndrome (HBOC); Hereditary breast and/or ovarian cancer syndrome. Identifiers: Orphanet 145, MedGen C0677776, MeSH D061325, MONDO:0003582. Disease mechanism: loss of function.
Breast-ovarian cancer, familial, susceptibility to, 2 (BROVCA2). Also called: BRCA2 Hereditary Breast and Ovarian Cancer. Identifiers: Orphanet 145, MedGen C2675520, MONDO:0012933, OMIM 612555. Disease mechanism: loss of function.

Submissions (3):

Evidence-based Network for the Interpretation of Germline Mutant Alleles (ENIGMA)
Classification: Pathogenic for Breast-ovarian cancer, familial, susceptibility to, 2. Last evaluated: 2017-12-15. Review status: reviewed by expert panel. Criteria: ENIGMA BRCA1/2 Classification Criteria (2017-06-29). Collection method: curation. Allele origin: germline. Study: ENIGMA.
Comment: Variant allele predicted to encode a truncated non-functional protein.

Ambry Genetics
Classification: Pathogenic for Hereditary cancer-predisposing syndrome. Last evaluated: 2022-10-20. Review status: criteria provided, single submitter. Criteria: Ambry Variant Classification Scheme 2023. Collection method: clinical testing. Allele origin: germline. Not counted in ClinVar's aggregate classification.
Comment: The c.7673delA pathogenic mutation, located in coding exon 15 of the BRCA2 gene, results from a deletion of one nucleotide at nucleotide position 7673, causing a translational frameshift with a predicted alternate stop codon (p.E2558Gfs*90). This variant is considered to be rare based on population cohorts in the Genome Aggregation Database (gnomAD). This alteration is expected to result in loss of function by premature protein truncation or nonsense-mediated mRNA decay. As such, this alteration is interpreted as a disease-causing mutation.

Labcorp Genetics (formerly Invitae), Labcorp
Classification: Pathogenic for Hereditary breast ovarian cancer syndrome. Last evaluated: 2016-02-23. Review status: criteria provided, single submitter. Criteria: Invitae Variant Classification Sherloc (09022015). Collection method: clinical testing. Allele origin: germline. Not counted in ClinVar's aggregate classification.
Comment: For these reasons, this variant has been classified as Pathogenic. While this particular variant has not been reported in the literature, truncating variants in BRCA2 are known to be pathogenic (PMID: 20104584). This sequence change deletes 1 nucleotide in exon 16 of the BRCA2 mRNA (c.7673delA), causing a frameshift at codon 2558. This creates a premature translational stop signal (p.Glu2558Glyfs*90) and is expected to result in an absent or disrupted protein product.

Literature cited by the submitters: PubMed 20104584 (cited by Labcorp Genetics (formerly Invitae), Labcorp).

NM_000059.4(BRCA2):c.7673del (p.Glu2558fs)

Gene: BRCA2 (BRCA2 DNA repair associated; plus strand). Cytogenetic location: 13q13.1.
Variant type: Deletion.
Coding change: c.7673del on transcript NM_000059.4 (MANE Select); coding-DNA position 7673, one base deleted (A; older notation c.7673delA).
Protein change: p.Glu2558fs; shifts the reading frame from glutamic acid 2558.
Molecular consequence: frameshift variant.
Genome position (GRCh38, 1-based): chr13:32,357,797, A deleted. VCF-style (leftmost placement, unchanged base first): chr13-32357796-GA-G. GRCh37 (hg19) VCF-style: chr13-32931933-GA-G.
Other names: c.7673delA (NM_000059.3); short protein forms E2558fs.
Identifiers: ClinVar variation 236908 (VCV000236908.11), dbSNP rs878853605, ClinGen allele CA10583134.